The following is an entry in ClinVar:

NM_018714.3(COG1):c.2084_2085insCCTGGTAATAAAATGAC (p.His695_Gly696insLeuValIleLysTer)

Gene: COG1 (component of oligomeric golgi complex 1; plus strand). Cytogenetic location: 17q25.1.
Variant type: Insertion.
Coding change: c.2084_2085insCCTGGTAATAAAATGAC on transcript NM_018714.3 (MANE Select); coding-DNA positions 2084 to 2085, CCTGGTAATAAAATGAC inserted.
Protein change: p.His695_Gly696insLeuValIleLysTer.
Molecular consequence: nonsense, inframe insertion.
Genome position: GRCh38 VCF-style: chr17-73203010-A-ACCTGGTAATAAAATGAC. GRCh37 (hg19) VCF-style: chr17-71199149-A-ACCTGGTAATAAAATGAC.
Identifiers: ClinVar variation 450371 (VCV000450371.1), dbSNP rs1555725363, ClinGen allele CA658658711.

ClinVar aggregate classification (germline): Likely pathogenic (1 of 4 stars; one submission).

Submission:

GeneDx
Classification: Likely pathogenic. Last evaluated: 2017-07-07. Review status: criteria provided, single submitter. Criteria: GeneDx Variant Classification (06012015). Collection method: clinical testing. Allele origin: germline. Affected: yes.
Comment: The c.2084_2085ins17 variant in the COG1 gene has not been reported previously as a pathogenic variant nor as a benign variant, to our knowledge. The c.2084_2085ins17 variant causes a frameshift starting with codon Glycine 696, changes this amino acid to a Leucine residue, and creates a premature Stop codon at position 5 of the new reading frame, denoted p.Gly696LeufsX5. This variant is predicted to cause loss of normal protein function either through protein truncation or nonsense-mediated mRNA decay. The c.2084_2085ins17 variant is not observed in large population cohorts (Lek et al., 2016; 1000 Genomes Consortium et al., 2015; Exome Variant Server). We interpret c.2084_2085ins17 as a likely pathogenic variant.